The following is an entry in ClinVar:

NM_001079.4(ZAP70):c.1124C>T (p.Thr375Met)

Gene: ZAP70 (zeta chain of T cell receptor associated protein kinase 70; plus strand). Cytogenetic location: 2q11.2.
Variant type: single nucleotide variant.
Coding change: c.1124C>T on transcript NM_001079.4 (MANE Select); coding-DNA position 1124, C replaced by T.
Protein change: p.Thr375Met; replaces threonine 375 with methionine.
Molecular consequence: missense variant.
Genome position (GRCh38, 1-based): chr2:97,735,291, C>T. VCF-style: chr2-97735291-C-T. GRCh37 (hg19) VCF-style: chr2-98351754-C-T.
Other names: c.1124C>T, p.Thr375Met (NM_001378594.1); c.203C>T, p.Thr68Met (NM_207519.2); short protein forms T375M, T68M.
Identifiers: ClinVar variation 1504203 (VCV001504203.4), dbSNP rs776066014, ClinGen allele CA1790381.

ClinVar aggregate classification (germline): Uncertain significance (1 of 4 stars; one submission).

Conditions:
Combined immunodeficiency due to ZAP70 deficiency (IMD48). Also called: ZAP70 Deficiency; Immunodeficiency 48. Identifiers: Orphanet 911, MedGen C2931299, MONDO:0010023, OMIM 269840.

Allele frequency attached by ClinVar (database versions not stated): gnomAD exomes 0.00001; TOPMed 0.00001; ExAC 0.00002.
gnomAD v4.1: 4 of 1,613,950 alleles (0.00025%); highest among the groups gnomAD compares: South Asian, 0.0011%; no homozygotes.

Submission:

Labcorp Genetics (formerly Invitae), Labcorp
Classification: Uncertain significance for Combined immunodeficiency due to ZAP70 deficiency. Last evaluated: 2021-08-27. Review status: criteria provided, single submitter. Criteria: Invitae Variant Classification Sherloc (09022015). Collection method: clinical testing. Allele origin: germline.
Comment: In summary, the available evidence is currently insufficient to determine the role of this variant in disease. Therefore, it has been classified as a Variant of Uncertain Significance. Algorithms developed to predict the effect of missense changes on protein structure and function are either unavailable or do not agree on the potential impact of this missense change (SIFT: "Not Available"; PolyPhen-2: "Benign"; Align-GVGD: "Not Available"). This variant has not been reported in the literature in individuals affected with ZAP70-related conditions. This variant is present in population databases (rs776066014, ExAC 0.003%). This sequence change replaces threonine with methionine at codon 375 of the ZAP70 protein (p.Thr375Met). The threonine residue is weakly conserved and there is a moderate physicochemical difference between threonine and methionine.